The following is an entry in ClinVar:

ClinVar aggregate classification (germline): Uncertain significance (1 of 4 stars; one submission).

Allele frequency attached by ClinVar (database versions not stated): TOPMed below 0.00001.

Submission:

Labcorp Genetics (formerly Invitae), Labcorp
Classification: Uncertain significance. Last evaluated: 2023-04-25. Review status: criteria provided, single submitter. Criteria: Invitae Variant Classification Sherloc (09022015). Collection method: clinical testing. Allele origin: germline.
Comment: This sequence change replaces leucine, which is neutral and non-polar, with phenylalanine, which is neutral and non-polar, at codon 4795 of the FAT4 protein (p.Leu4795Phe). This variant is not present in population databases (gnomAD no frequency). This variant has not been reported in the literature in individuals affected with FAT4-related conditions. An algorithm developed to predict the effect of missense changes on protein structure and function (PolyPhen-2) suggests that this variant is likely to be disruptive. In summary, the available evidence is currently insufficient to determine the role of this variant in disease. Therefore, it has been classified as a Variant of Uncertain Significance.

NM_001291303.3(FAT4):c.14389C>T (p.Leu4797Phe)

Gene: FAT4 (FAT atypical cadherin 4; plus strand). Cytogenetic location: 4q28.1.
Variant type: single nucleotide variant.
Coding change: c.14389C>T on transcript NM_001291303.3 (MANE Select); coding-DNA position 14389, C replaced by T.
Protein change: p.Leu4797Phe; replaces leucine 4797 with phenylalanine.
Molecular consequence: missense variant.
Genome position (GRCh38, 1-based): chr4:125,491,205, C>T. VCF-style: chr4-125491205-C-T. GRCh37 (hg19) VCF-style: chr4-126412360-C-T.
Other names: c.14386C>T, p.Leu4796Phe (NM_001291285.3); c.14383C>T, p.Leu4795Phe (NM_024582.6); short protein forms L4795F, L4797F, L4796F.
Identifiers: ClinVar variation 2854690 (VCV002854690.3), dbSNP rs267600018, ClinGen allele CA104876720.